The following is an entry in ClinVar:

ClinVar aggregate classification (germline): Uncertain significance (1 of 4 stars; one submission).

Submission:

Labcorp Genetics (formerly Invitae), Labcorp
Classification: Uncertain significance. Last evaluated: 2022-06-04. Review status: criteria provided, single submitter. Criteria: Invitae Variant Classification Sherloc (09022015). Collection method: clinical testing. Allele origin: germline.
Comment: This sequence change replaces serine, which is neutral and polar, with threonine, which is neutral and polar, at codon 397 of the ARHGEF18 protein (p.Ser397Thr). In summary, the available evidence is currently insufficient to determine the role of this variant in disease. Therefore, it has been classified as a Variant of Uncertain Significance. Algorithms developed to predict the effect of missense changes on protein structure and function are either unavailable or do not agree on the potential impact of this missense change (SIFT: "Deleterious"; PolyPhen-2: "Possibly Damaging"; Align-GVGD: "Class C0"). ClinVar contains an entry for this variant (Variation ID: 1423228). This variant has not been reported in the literature in individuals affected with ARHGEF18-related conditions. This variant is not present in population databases (gnomAD no frequency).

NM_001367823.1(ARHGEF18):c.1753T>A (p.Ser585Thr)

Gene: ARHGEF18 (Rho/Rac guanine nucleotide exchange factor 18; plus strand). Cytogenetic location: 19p13.2.
Variant type: single nucleotide variant.
Coding change: c.1753T>A on transcript NM_001367823.1 (MANE Select); coding-DNA position 1753, T replaced by A.
Protein change: p.Ser585Thr; replaces serine 585 with threonine.
Molecular consequence: missense variant.
Genome position (GRCh38, 1-based): chr19:7,451,164, T>A. VCF-style: chr19-7451164-T-A. GRCh37 (hg19) VCF-style: chr19-7516050-T-A.
Other names: c.1027T>A, p.Ser343Thr (NM_001130955.2); c.715T>A, p.Ser239Thr (NM_001367824.1, NM_015318.4); short protein forms S239T, S343T, S585T.
Identifiers: ClinVar variation 1423228 (VCV001423228.6), dbSNP rs2145833486, ClinGen allele CA403110498.
Genomic context (GRCh38, chr19:7,451,164, plus strand): 5'-CCGTTTCTGAGATGTTAATACAGGATCTTGCTTTCTGTTTCCTAGAAAATTGGCAACTTC[T>A]CCATCGTGCGGCGGCTTGGCGTGCAGGAGTGCATTCTCCTGGTTACACAACGCATAACCA-3'
Protein context (NP_001354752.1, residues 575-595): QNLIKKIGNF[Ser585Thr]IVRRLGVQEC